The following is an entry in ClinVar:

NM_001384125.1(BLTP1):c.11016G>A (p.Lys3672=)

Gene: BLTP1 (bridge-like lipid transfer protein family member 1; plus strand). Cytogenetic location: 4q27.
Variant type: single nucleotide variant.
Coding change: c.11016G>A on transcript NM_001384125.1 (MANE Select); coding-DNA position 11016, G replaced by A.
Protein change: p.Lys3672=; no amino-acid change (lysine 3672 retained).
Molecular consequence: synonymous variant.
Genome position (GRCh38, 1-based): chr4:122,324,447, G>A. VCF-style: chr4-122324447-G-A. GRCh37 (hg19) VCF-style: chr4-123245602-G-A.
Other names: c.10815G>A, p.Lys3605= (NM_015312.4).
Identifiers: ClinVar variation 3344370 (VCV003344370.1).

ClinVar aggregate classification (germline): Likely benign (0 of 4 stars; one submission).

Conditions:
BLTP1-related disorder. Also called: BLTP1-related condition.

gnomAD v4.1: 589 of 1,610,010 alleles (0.037%); highest among the groups gnomAD compares: Non-Finnish European, 0.047%; no homozygotes.

Submission:

PreventionGenetics, part of Exact Sciences
Classification: Likely benign for BLTP1-related condition. Last evaluated: 2024-04-24. Review status: no assertion criteria provided. Collection method: clinical testing. Allele origin: germline.
Comment: This variant is classified as likely benign based on ACMG/AMP sequence variant interpretation guidelines (Richards et al. 2015 PMID: 25741868, with internal and published modifications).